The following is an entry in ClinVar:

NM_001184.4(ATR):c.6463G>C (p.Glu2155Gln)

Gene: ATR (ATR checkpoint kinase; minus strand). Cytogenetic location: 3q23.
Variant type: single nucleotide variant.
Coding change: c.6463G>C on transcript NM_001184.4 (MANE Select); coding-DNA position 6463, G replaced by C.
Protein change: p.Glu2155Gln; replaces glutamic acid 2155 with glutamine.
Molecular consequence: missense variant.
Genome position (GRCh38, 1-based): chr3:142,469,426, C>G on the plus strand (G>C on the coding strand, the complement: ATR is on the minus strand). VCF-style: chr3-142469426-C-G. GRCh37 (hg19) VCF-style: chr3-142188268-C-G.
Other names: c.6271G>C, p.Glu2091Gln (NM_001354579.2); short protein forms E2091Q, E2155Q.
Identifiers: ClinVar variation 1753671 (VCV001753671.3), dbSNP rs2071205632, ClinGen allele CA354804641.

ClinVar aggregate classification (germline): Uncertain significance (1 of 4 stars; one submission).

Conditions:
Inborn genetic diseases. Identifiers: MedGen C0950123, MeSH D030342.

Submission:

Ambry Genetics
Classification: Uncertain significance for Inborn genetic diseases. Last evaluated: 2024-10-27. Review status: criteria provided, single submitter. Criteria: Ambry Variant Classification Scheme 2023. Collection method: clinical testing. Allele origin: germline.
Comment: The p.E2155Q variant (also known as c.6463G>C), located in coding exon 38 of the ATR gene, results from a G to C substitution at nucleotide position 6463. The glutamic acid at codon 2155 is replaced by glutamine, an amino acid with highly similar properties. This amino acid position is conserved. In addition, this alteration is predicted to be tolerated by in silico analysis. Since supporting evidence is limited at this time, the clinical significance of this alteration remains unclear.